The following is an entry in ClinVar:

ClinVar aggregate classification (germline): Likely benign (1 of 4 stars; one submission).

Submission:

CeGaT Center for Human Genetics Tuebingen
Classification: Likely benign. Last evaluated: 2025-01-01. Review status: criteria provided, single submitter. Criteria: CeGaT Center For Human Genetics Tuebingen Variant Classification Criteria Version 2. Collection method: clinical testing. Allele origin: germline. Affected: yes. Observed: 1 variant allele.
Comment: SPATA31A6: PM2:Supporting, BP4, BP7

NM_001145196.1(SPATA31A6):c.3180G>A (p.Gly1060=)

Gene: SPATA31A6 (SPATA31 subfamily A member 6; plus strand). Cytogenetic location: 9p11.2.
Variant type: single nucleotide variant.
Coding change: c.3180G>A on transcript NM_001145196.1 (MANE Select); coding-DNA position 3180, G replaced by A.
Protein change: p.Gly1060=; no amino-acid change (glycine 1060 retained).
Molecular consequence: synonymous variant.
Genome position (GRCh38, 1-based): chr9:42,188,882, G>A. VCF-style: chr9-42188882-G-A. GRCh37 (hg19) VCF-style: chr9-43625507-C-T.
Identifiers: ClinVar variation 3770878 (VCV003770878.13).